The following is an entry in ClinVar:

NM_002734.5(PRKAR1A):c.754A>C (p.Lys252Gln)

Gene: PRKAR1A (protein kinase cAMP-dependent type I regulatory subunit alpha; plus strand). Cytogenetic location: 17q24.2.
Variant type: single nucleotide variant.
Coding change: c.754A>C on transcript NM_002734.5 (MANE Select); coding-DNA position 754, A replaced by C.
Protein change: p.Lys252Gln; replaces lysine 252 with glutamine.
Molecular consequence: missense variant.
Genome position (GRCh38, 1-based): chr17:68,527,885, A>C. VCF-style: chr17-68527885-A-C. GRCh37 (hg19) VCF-style: chr17-66524026-A-C.
Other names: c.754A>C, p.Lys252Gln (NM_001276289.2, NM_001276290.1, NM_001278433.2 and 4 more transcripts); short protein forms K252Q.
Identifiers: ClinVar variation 3720816 (VCV003720816.2).

ClinVar aggregate classification (germline): Uncertain significance (1 of 4 stars; one submission).

Conditions:
Carney complex, type 1 (CNC1). Also called: CARNEY MYXOMA-ENDOCRINE COMPLEX; CARNEY COMPLEX, TYPE I. Identifiers: Orphanet 1359, MedGen C2607929, MONDO:0008057, OMIM 160980.

Submission:

Labcorp Genetics (formerly Invitae), Labcorp
Classification: Uncertain significance for Carney complex, type 1. Last evaluated: 2024-12-02. Review status: criteria provided, single submitter. Criteria: Invitae Variant Classification Sherloc (09022015). Collection method: clinical testing. Allele origin: germline.
Comment: This sequence change replaces lysine, which is basic and polar, with glutamine, which is neutral and polar, at codon 252 of the PRKAR1A protein (p.Lys252Gln). This variant is not present in population databases (gnomAD no frequency). This variant has not been reported in the literature in individuals affected with PRKAR1A-related conditions. Invitae Evidence Modeling of protein sequence and biophysical properties (such as structural, functional, and spatial information, amino acid conservation, physicochemical variation, residue mobility, and thermodynamic stability) has been performed for this missense variant. However, the output from this modeling did not meet the statistical confidence thresholds required to predict the impact of this variant on PRKAR1A protein function. In summary, the available evidence is currently insufficient to determine the role of this variant in disease. Therefore, it has been classified as a Variant of Uncertain Significance.